The following is an entry in ClinVar:

ClinVar aggregate classification (germline): Uncertain significance (1 of 4 stars; one submission).

Submission:

CeGaT Center for Human Genetics Tuebingen
Classification: Uncertain significance. Last evaluated: 2024-06-01. Review status: criteria provided, single submitter. Criteria: CeGaT Center For Human Genetics Tuebingen Variant Classification Criteria Version 2. Collection method: clinical testing. Allele origin: germline. Affected: yes. Observed: 1 variant allele.
Comment: SGCE: PM2, PP3

NM_003919.3(SGCE):c.347G>T (p.Gly116Val)

Genes: CASD1 (CAS1 domain sialic acid O acetyltransferase 1; plus strand), SGCE (sarcoglycan epsilon; minus strand). Cytogenetic location: 7q21.3.
Variant type: single nucleotide variant.
Coding change: c.347G>T on transcript NM_003919.3 (MANE Select); coding-DNA position 347, G replaced by T.
Protein change: p.Gly116Val; replaces glycine 116 with valine.
Molecular consequence: missense variant.
Genome position (GRCh38, 1-based): chr7:94,628,245, C>A on the plus strand (G>T on the coding strand, the complement: SGCE is on the minus strand). VCF-style: chr7-94628245-C-A. GRCh37 (hg19) VCF-style: chr7-94257557-C-A.
Other names: c.347G>T, p.Gly116Val (NM_001099400.2, NM_001099401.2, NM_001346717.2); c.224G>T, p.Gly75Val (NM_001301139.2, NM_001362809.2); c.455G>T, p.Gly152Val (NM_001346713.2, NM_001346715.2); c.260G>T, p.Gly87Val (NM_001346719.2, NM_001362807.2); c.74G>T, p.Gly25Val (NM_001346720.2, NM_001362808.2); short protein forms G116V, G152V, G25V, G75V, G87V.
Identifiers: ClinVar variation 3251061 (VCV003251061.18), dbSNP rs2485168414.
Genomic context (GRCh38, chr7:94,628,245, plus strand): 5'-TTCTAGGTGTAAATTACCTCAATGATTGTTGGCTTCCCCACATTTTCAGCTGTTGGGGAC[C>A]CATATAGGACTCCATCACTATATGGTGTCCTTTGGATATATCGAAGCCATCCAGGTCGGT-3'
Protein context (NP_003910.1, residues 106-126): RTPYSDGVLY[Gly116Val]SPTAENVGKP